The following is an entry in ClinVar:

ClinVar aggregate classification (germline): Pathogenic (0 of 4 stars; one submission).

Conditions:
Lymphatic malformation 6 (LMPHM6). Also called: GENERALIZED LYMPHATIC DYSPLASIA OF FOTIOU; Lymphedema, hereditary, III; PIEZO1-related generalized lymphatic dysplasia with non-immune hydrops fetalis. Identifiers: Orphanet 568062, MedGen C4225184, MONDO:0014797, OMIM 616843.

gnomAD v4.1: 1 of 1,549,766 alleles (0.000065%); highest among the groups gnomAD compares: South Asian, 0.0012%; no homozygotes.

Submission:

Medical Genetics Unit, Sapienza University of Rome
Classification: Pathogenic for Lymphatic malformation 6. Last evaluated: 2020-07-20. Review status: no assertion criteria provided. Collection method: clinical testing. Allele origin: maternal. Inheritance: Autosomal recessive inheritance. Affected: yes. Observed: 3 variant alleles. Clinical features observed: Nonimmune hydrops fetalis (HP:0001790), Abnormality of the lymphatic system (HP:0100763), Abnormal vascular morphology (HP:0025015).
Comment: Variant found in compound heterozygosis in two fetuses from the same family presenting with non-immune fetal hydrops. No evidence for acute infections. Negative Karyotype, CMA and RASopathies gene panel.

NM_001142864.4(PIEZO1):c.6964G>T (p.Glu2322Ter)

Gene: PIEZO1 (piezo type mechanosensitive ion channel component 1 (Er blood group); minus strand). Cytogenetic location: 16q24.3.
Variant type: single nucleotide variant.
Coding change: c.6964G>T on transcript NM_001142864.4 (MANE Select); coding-DNA position 6964, G replaced by T.
Protein change: p.Glu2322Ter; replaces glutamic acid 2322 with a stop codon.
Molecular consequence: nonsense.
Genome position (GRCh38, 1-based): chr16:88,716,446, C>A on the plus strand (G>T on the coding strand, the complement: PIEZO1 is on the minus strand). VCF-style: chr16-88716446-C-A. GRCh37 (hg19) VCF-style: chr16-88782854-C-A.
Other names: short protein forms E2322*.
Identifiers: ClinVar variation 973951 (VCV000973951.1), dbSNP rs774561483, ClinGen allele CA397074905.
Genomic context (GRCh38, chr16:88,716,446, plus strand): 5'-GCAGGCTGGCCAGCTGCCGCCGTGCAGTGCTGTTGGGGGCCAGGGCCAGCATGTGCTTCT[C>A]GTTGGCATACTCCACAGTGCCTCCCTTCGCCAGGTCCCTGGGGGTGGGAACACAGCGTGA-3'